The following is an entry in ClinVar:

ClinVar aggregate classification (germline): Uncertain significance (1 of 4 stars; one submission).

Conditions:
Kabuki syndrome 2 (KABUK2). Also called: KDM6A-Related Kabuki Syndrome. Identifiers: Orphanet 2322, MedGen C3275495, MONDO:0010465, OMIM 300867.

Submission:

Labcorp Genetics (formerly Invitae), Labcorp
Classification: Uncertain significance for Kabuki syndrome 2. Last evaluated: 2023-04-09. Review status: criteria provided, single submitter. Criteria: Invitae Variant Classification Sherloc (09022015). Collection method: clinical testing. Allele origin: germline.
Comment: This variant results in a copy number gain of the genomic region encompassing exon(s) 18-29 of the KDM6A gene. This region includes the termination codon of the gene. This copy number gain extends beyond the assayed region for this gene and therefore may encompass additional genes. As the precise location of this event is unknown, it may be in tandem or it may be located elsewhere in the genome. In summary, the available evidence is currently insufficient to determine the role of this variant in disease. Therefore, it has been classified as a Variant of Uncertain Significance. Experimental studies and prediction algorithms are not available or were not evaluated, and the functional significance of this variant is currently unknown. This variant has not been reported in the literature in individuals affected with KDM6A-related conditions.

NC_000023.10:g.(?_44935922)_(44970656_?)dup

Gene: KDM6A (lysine demethylase 6A; plus strand). Cytogenetic location: Xp11.3.
Variant type: Duplication.
Identifiers: ClinVar variation 2426674 (VCV002426674.4).